The following is an entry in ClinVar:

NM_018685.5(ANLN):c.95G>A (p.Arg32Lys)

Gene: ANLN (anillin, actin binding protein; plus strand). Cytogenetic location: 7p14.2.
Variant type: single nucleotide variant.
Coding change: c.95G>A on transcript NM_018685.5 (MANE Select); coding-DNA position 95, G replaced by A.
Protein change: p.Arg32Lys; replaces arginine 32 with lysine.
Molecular consequence: missense variant.
Genome position (GRCh38, 1-based): chr7:36,396,342, G>A. VCF-style: chr7-36396342-G-A. GRCh37 (hg19) VCF-style: chr7-36435951-G-A.
Other names: c.95G>A, p.Arg32Lys (NM_001284301.3, NM_001284302.3); c.95G>A (NM_018685.4); short protein forms R32K.
Identifiers: ClinVar variation 1036499 (VCV001036499.14), dbSNP rs141973124, ClinGen allele CA4219258.

ClinVar aggregate classification (germline): Conflicting classifications of pathogenicity. Review status: criteria provided, conflicting classifications (1 of 4 stars). 3 submissions from 3 submitters: Uncertain significance (2); Likely benign (1). Last evaluated 2025-06-12.

Conditions:
ANLN-related disorder. Also called: ANLN-related condition.

Allele frequency attached by ClinVar (database versions not stated): TOPMed 0.00010; gnomAD exomes 0.00011 and 0.00014; gnomAD 0.00013; ExAC 0.00015; ESP Exome Variant Server 0.00023.
gnomAD v4.1: 176 of 1,608,814 alleles (0.011%); highest among the groups gnomAD compares: Non-Finnish European, 0.014%; no homozygotes.

Submissions (3):

Labcorp Genetics (formerly Invitae), Labcorp
Classification: Uncertain significance. Last evaluated: 2025-06-12. Review status: criteria provided, single submitter. Criteria: Invitae Variant Classification Sherloc (09022015). Collection method: clinical testing. Allele origin: germline.
Comment: This sequence change replaces arginine, which is basic and polar, with lysine, which is basic and polar, at codon 32 of the ANLN protein (p.Arg32Lys). This variant is present in population databases (rs141973124, gnomAD 0.03%), and has an allele count higher than expected for a pathogenic variant. This variant has not been reported in the literature in individuals affected with ANLN-related conditions. ClinVar contains an entry for this variant (Variation ID: 1036499). An algorithm developed to predict the effect of missense changes on protein structure and function (PolyPhen-2) suggests that this variant is likely to be disruptive. In summary, the available evidence is currently insufficient to determine the role of this variant in disease. Therefore, it has been classified as a Variant of Uncertain Significance.

CeGaT Center for Human Genetics Tuebingen
Classification: Likely benign. Last evaluated: 2025-04-01. Review status: criteria provided, single submitter. Criteria: CeGaT Center For Human Genetics Tuebingen Variant Classification Criteria Version 2. Collection method: clinical testing. Allele origin: germline. Affected: yes. Observed: 1 variant allele.
Comment: ANLN: BP4, BS2

PreventionGenetics, part of Exact Sciences
Classification: Uncertain significance for ANLN-related condition. Last evaluated: 2022-12-13. Review status: criteria provided, single submitter. Criteria: ACMG Guidelines, 2015. Collection method: clinical testing. Allele origin: germline.
Comment: The ANLN c.95G>A variant is predicted to result in the amino acid substitution p.Arg32Lys. To our knowledge, this variant has not been reported in the literature. This variant is reported in 0.031% of alleles in individuals of European (Non-Finnish) descent in gnomAD. At this time, the clinical significance of this variant is uncertain due to the absence of conclusive functional and genetic evidence.